The following is an entry in ClinVar:

NM_001130987.2(DYSF):c.4549T>C (p.Trp1517Arg)

Gene: DYSF (dysferlin; plus strand). Cytogenetic location: 2p13.2.
Variant type: single nucleotide variant.
Coding change: c.4549T>C on transcript NM_001130987.2 (MANE Select); coding-DNA position 4549, T replaced by C.
Protein change: p.Trp1517Arg; replaces tryptophan 1517 with arginine.
Molecular consequence: missense variant.
Genome position (GRCh38, 1-based): chr2:71,643,986, T>C. VCF-style: chr2-71643986-T-C. GRCh37 (hg19) VCF-style: chr2-71871116-T-C.
Other names: c.4393T>C, p.Trp1465Arg (NM_001130986.2); c.4432T>C, p.Trp1478Arg (NM_003494.4); c.4435T>C, p.Trp1479Arg (NM_001130455.2); c.4390T>C, p.Trp1464Arg (NM_001130976.2); c.4453T>C, p.Trp1485Arg (NM_001130977.2); c.4495T>C, p.Trp1499Arg (NM_001130978.2); c.4525T>C, p.Trp1509Arg (NM_001130979.2); c.4483T>C, p.Trp1495Arg (NM_001130980.2); and 5 more; short protein forms W1479R, W1516R, W1464R, W1478R, W1495R, W1499R, W1509R, W1496R.
Identifiers: ClinVar variation 4695890 (VCV004695890.1).

ClinVar aggregate classification (germline): Likely pathogenic (1 of 4 stars; one submission).

Conditions:
Neuromuscular disease caused by qualitative or quantitative defects of dysferlin. Also called: Dysferlinopathy; Qualitative or quantitative defects of dysferlin. Identifiers: Orphanet 207073, MedGen C2931687, MONDO:0016145.

Submission:

Labcorp Genetics (formerly Invitae), Labcorp
Classification: Likely pathogenic for Neuromuscular disease caused by qualitative or quantitative defects of dysferlin. Last evaluated: 2025-05-27. Review status: criteria provided, single submitter. Criteria: Invitae Variant Classification Sherloc (09022015). Collection method: clinical testing. Allele origin: germline.
Comment: This sequence change replaces tryptophan, which is neutral and slightly polar, with arginine, which is basic and polar, at codon 1478 of the DYSF protein (p.Trp1478Arg). This variant is not present in population databases (gnomAD no frequency). This missense change has been observed in individual(s) with clinical features of limb-girdle muscular dystrophy (internal data). In at least one individual the data is consistent with being in trans (on the opposite chromosome) from a pathogenic variant. Invitae Evidence Modeling of protein sequence and biophysical properties (such as structural, functional, and spatial information, amino acid conservation, physicochemical variation, residue mobility, and thermodynamic stability) indicates that this missense variant is expected to disrupt DYSF protein function with a positive predictive value of 95%. In summary, the currently available evidence indicates that the variant is pathogenic, but additional data are needed to prove that conclusively. Therefore, this variant has been classified as Likely Pathogenic.